The following is an entry in ClinVar:

NM_014915.3(ANKRD26):c.3871A>G (p.Lys1291Glu)

Gene: ANKRD26 (ankyrin repeat domain 26; minus strand). Cytogenetic location: 10p12.1.
Variant type: single nucleotide variant.
Coding change: c.3871A>G on transcript NM_014915.3 (MANE Select); coding-DNA position 3871, A replaced by G.
Protein change: p.Lys1291Glu; replaces lysine 1291 with glutamic acid.
Molecular consequence: missense variant.
Genome position (GRCh38, 1-based): chr10:27,029,293, T>C on the plus strand (A>G on the coding strand, the complement: ANKRD26 is on the minus strand). VCF-style: chr10-27029293-T-C. GRCh37 (hg19) VCF-style: chr10-27318222-T-C.
Other names: c.3868A>G, p.Lys1290Glu (NM_001256053.2); short protein forms K1291E, K1290E.
Identifiers: ClinVar variation 2718610 (VCV002718610.4), dbSNP rs2538699578, ClinGen allele CA376360460.

ClinVar aggregate classification (germline): Uncertain significance. Review status: criteria provided, multiple submitters, no conflicts (2 of 4 stars). 2 submissions from 2 submitters: Uncertain significance (2). Last evaluated 2025-03-22.

Conditions:
Inborn genetic diseases. Identifiers: MedGen C0950123, MeSH D030342.

Submissions (2):

Ambry Genetics
Classification: Uncertain significance for Inborn genetic diseases. Last evaluated: 2025-03-22. Review status: criteria provided, single submitter. Criteria: Ambry Variant Classification Scheme 2023. Collection method: clinical testing. Allele origin: germline.
Comment: The p.K1291E variant (also known as c.3871A>G), located in coding exon 26 of the ANKRD26 gene, results from an A to G substitution at nucleotide position 3871. The lysine at codon 1291 is replaced by glutamic acid, an amino acid with similar properties. This amino acid position is conserved. In addition, this alteration is predicted to be tolerated by in silico analysis. Based on the available evidence, the clinical significance of this variant remains unclear.

Labcorp Genetics (formerly Invitae), Labcorp
Classification: Uncertain significance. Last evaluated: 2023-06-17. Review status: criteria provided, single submitter. Criteria: Invitae Variant Classification Sherloc (09022015). Collection method: clinical testing. Allele origin: germline.
Comment: This variant has not been reported in the literature in individuals affected with ANKRD26-related conditions. This variant is not present in population databases (gnomAD no frequency). This sequence change replaces lysine, which is basic and polar, with glutamic acid, which is acidic and polar, at codon 1291 of the ANKRD26 protein (p.Lys1291Glu). An algorithm developed to predict the effect of missense changes on protein structure and function (PolyPhen-2) suggests that this variant is likely to be tolerated. In summary, the available evidence is currently insufficient to determine the role of this variant in disease. Therefore, it has been classified as a Variant of Uncertain Significance.